The following is an entry in ClinVar:

NM_001848.3(COL6A1):c.510G>A (p.Gly170=)

Gene: COL6A1 (collagen type VI alpha 1 chain; plus strand). Cytogenetic location: 21q22.3.
Variant type: single nucleotide variant.
Coding change: c.510G>A on transcript NM_001848.3 (MANE Select); coding-DNA position 510, G replaced by A.
Protein change: p.Gly170=; no amino-acid change (glycine 170 retained).
Molecular consequence: synonymous variant.
Genome position (GRCh38, 1-based): chr21:45,986,607, G>A. VCF-style: chr21-45986607-G-A. GRCh37 (hg19) VCF-style: chr21-47406521-G-A.
Identifiers: ClinVar variation 386949 (VCV000386949.6), dbSNP rs373970248, ClinGen allele CA16608090.

ClinVar aggregate classification (germline): Benign/Likely benign. Review status: criteria provided, multiple submitters, no conflicts (2 of 4 stars). 2 submissions from 2 submitters: Benign (1); Likely benign (1). Last evaluated 2025-10-28.

Conditions:
Bethlem myopathy 1A. Also called: MYOPATHY, BENIGN CONGENITAL, WITH CONTRACTURES; Bethlem Muscular Dystrophy; Bethlem myopathy 1. Identifiers: Orphanet 610, MedGen CN029274, MONDO:0024530, OMIM 158810.

Allele frequency attached by ClinVar (database versions not stated): gnomAD exomes 0.00001 and 0.00003; gnomAD 0.00004; TOPMed 0.00006; ESP Exome Variant Server 0.00008.
gnomAD v4.1: 15 of 1,558,578 alleles (0.00096%); highest among the groups gnomAD compares: African/African-American, 0.014%; no homozygotes.

Submissions (2):

Labcorp Genetics (formerly Invitae), Labcorp
Classification: Benign for Bethlem myopathy 1A. Last evaluated: 2025-10-28. Review status: criteria provided, single submitter. Criteria: Invitae Variant Classification Sherloc (09022015). Collection method: clinical testing. Allele origin: germline.

GeneDx
Classification: Likely benign. Last evaluated: 2016-06-30. Review status: criteria provided, single submitter. Criteria: GeneDx Variant Classification (06012015). Collection method: clinical testing. Allele origin: germline. Affected: yes.
Comment: This variant is considered likely benign or benign based on one or more of the following criteria: it is a conservative change, it occurs at a poorly conserved position in the protein, it is predicted to be benign by multiple in silico algorithms, and/or has population frequency not consistent with disease.